The following is an entry in ClinVar:

ClinVar aggregate classification (germline): Uncertain significance (1 of 4 stars; one submission).

Conditions:
Cystic fibrosis (CF). Also called: MUCOVISCIDOSIS. Identifiers: Orphanet 586, MedGen C0010674, MONDO:0009061, OMIM 219700. Disease mechanism: loss of function.

Submission:

Ambry Genetics
Classification: Uncertain significance for Cystic fibrosis. Last evaluated: 2021-11-06. Review status: criteria provided, single submitter. Criteria: Ambry Variant Classification Scheme 2023. Collection method: clinical testing. Allele origin: germline.
Comment: The p.T848R variant (also known as c.2543C>G), located in coding exon 15 of the CFTR gene, results from a C to G substitution at nucleotide position 2543. The threonine at codon 848 is replaced by arginine, an amino acid with similar properties. This amino acid position is conserved. In addition, this alteration is predicted to be deleterious by in silico analysis. Since supporting evidence is limited at this time, the clinical significance of this alteration remains unclear.

NM_000492.4(CFTR):c.2543C>G (p.Thr848Arg)

Gene: CFTR (CF transmembrane conductance regulator; plus strand). Cytogenetic location: 7q31.2.
Variant type: single nucleotide variant.
Coding change: c.2543C>G on transcript NM_000492.4 (MANE Select); coding-DNA position 2543, C replaced by G.
Protein change: p.Thr848Arg; replaces threonine 848 with arginine.
Molecular consequence: missense variant.
Genome position (GRCh38, 1-based): chr7:117,594,982, C>G. VCF-style: chr7-117594982-C-G. GRCh37 (hg19) VCF-style: chr7-117235036-C-G.
Other names: short protein forms T848R.
Identifiers: ClinVar variation 1792855 (VCV001792855.2), dbSNP rs2485113803, ClinGen allele CA368983928.